The following is an entry in ClinVar:

NM_004946.3(DOCK2):c.5039A>G (p.Gln1680Arg)

Gene: DOCK2 (dedicator of cytokinesis 2; plus strand). Cytogenetic location: 5q35.1.
Variant type: single nucleotide variant.
Coding change: c.5039A>G on transcript NM_004946.3 (MANE Select); coding-DNA position 5039, A replaced by G.
Protein change: p.Gln1680Arg; replaces glutamine 1680 with arginine.
Molecular consequence: missense variant. On other transcripts: non-coding transcript variant (1).
Genome position (GRCh38, 1-based): chr5:170,079,019, A>G. VCF-style: chr5-170079019-A-G. GRCh37 (hg19) VCF-style: chr5-169506023-A-G.
Other names: c.5039A>G, p.Gln1680Arg (LRG_1227t1); short protein forms Q1680R.
Identifiers: ClinVar variation 542609 (VCV000542609.7), dbSNP rs373168304, ClinGen allele CA3554751.

ClinVar aggregate classification (germline): Uncertain significance (1 of 4 stars; one submission).

Conditions:
DOCK2 deficiency. Also called: Immunodeficiency 40. Identifiers: Orphanet 447737, MedGen C4225328, MONDO:0014637, OMIM 616433.

Allele frequency attached by ClinVar (database versions not stated): gnomAD exomes below 0.00001 and 0.00001; ExAC 0.00002; gnomAD 0.00005 and 0.00006; ESP Exome Variant Server 0.00008; TOPMed 0.00008.
gnomAD v4.1: 13 of 1,614,042 alleles (0.00081%); highest among the groups gnomAD compares: African/African-American, 0.015%; no homozygotes.

Submission:

Labcorp Genetics (formerly Invitae), Labcorp
Classification: Uncertain significance for DOCK2 deficiency. Last evaluated: 2025-11-27. Review status: criteria provided, single submitter. Criteria: Invitae Variant Classification Sherloc (09022015). Collection method: clinical testing. Allele origin: germline.
Comment: This sequence change replaces glutamine, which is neutral and polar, with arginine, which is basic and polar, at codon 1680 of the DOCK2 protein (p.Gln1680Arg). This variant is present in population databases (rs373168304, gnomAD 0.008%). This variant has not been reported in the literature in individuals affected with DOCK2-related conditions. ClinVar contains an entry for this variant (Variation ID: 542609). An algorithm developed to predict the effect of missense changes on protein structure and function (PolyPhen-2) suggests that this variant is likely to be tolerated. In summary, the available evidence is currently insufficient to determine the role of this variant in disease. Therefore, it has been classified as a Variant of Uncertain Significance.